The following is an entry in ClinVar:

ClinVar aggregate classification (germline): Likely benign. Review status: criteria provided, multiple submitters, no conflicts (2 of 4 stars). 4 submissions from 4 submitters: Likely benign (4). Last evaluated 2025-08-29.

Conditions:
TECTA-related disorder. Also called: TECTA-related condition.

Allele frequency attached by ClinVar (database versions not stated): gnomAD exomes 0.00003; ExAC 0.00021; gnomAD 0.00032 and 0.00034; TOPMed 0.00032; ESP Exome Variant Server 0.00072.

Submissions (4):

Labcorp Genetics (formerly Invitae), Labcorp
Classification: Likely benign. Last evaluated: 2025-08-29. Review status: criteria provided, single submitter. Criteria: Invitae Variant Classification Sherloc (09022015). Collection method: clinical testing. Allele origin: germline.

Mayo Clinic Laboratories, Mayo Clinic
Classification: Likely benign. Last evaluated: 2025-03-21. Review status: criteria provided, single submitter. Criteria: ACMG Guidelines, 2015. Collection method: clinical testing. Allele origin: germline. Observed: 1 variant allele.
Comment: BP4, BP7

PreventionGenetics, part of Exact Sciences
Classification: Likely benign for TECTA-related condition. Last evaluated: 2025-02-03. Review status: criteria provided, single submitter. Criteria: ACMG Guidelines, 2015. Collection method: clinical testing. Allele origin: germline.
Comment: This variant is classified as likely benign based on ACMG/AMP sequence variant interpretation guidelines (Richards et al. 2015 PMID: 25741868, with internal and published modifications).

Laboratory for Molecular Medicine, Mass General Brigham Personalized Medicine
Classification: Likely benign. Last evaluated: 2013-10-11. Review status: criteria provided, single submitter. Criteria: LMM Criteria. Collection method: clinical testing. Allele origin: germline. Observed: 1 variant allele.
Comment: 5273-8delC in Intron 15 of TECTA: This variant is not expected to have clinical significance because it is does not diverge from the splice site consensus seque nce and computational tools do not suggest an impact to splicing. In addition, t his variant has been identified in 0.2% (8/4264) of African American chromosomes by the NHLBI Exome Sequencing Project.

NM_005422.4(TECTA):c.5273-8del

Genes: TBCEL-TECTA (TBCEL-TECTA readthrough; plus strand), TECTA (tectorin alpha; plus strand). Cytogenetic location: 11q23.3.
Variant type: Deletion.
Coding change: c.5273-8del on transcript NM_005422.4 (MANE Select); 8 bases into the intron before coding-DNA position 5273, one base deleted (C; older notation c.5273-8delC).
Molecular consequence: intron variant.
Genome position (GRCh38, 1-based): chr11:121,165,265, C deleted. VCF-style (leftmost placement, unchanged base first): chr11-121165264-TC-T. GRCh37 (hg19) VCF-style: chr11-121035973-TC-T.
Other names: p.?; c.5273-8del (NM_005422.2); c.5273-8delC (NM_005422.2); c.6215-8del (NM_001378761.1).
Identifiers: ClinVar variation 179309 (VCV000179309.11), dbSNP rs727504781, ClinGen allele CA184173.